The following is an entry in ClinVar:

ClinVar aggregate classification (germline): Pathogenic. Review status: reviewed by expert panel (3 of 4 stars). 2 submissions from 2 submitters: Pathogenic (1). 1 of the submissions does not count toward it. Last evaluated 2023-08-04.

Conditions:
Hereditary cancer-predisposing syndrome. Also called: Hereditary neoplastic syndrome; Tumor predisposition; Hereditary Cancer Syndrome; Neoplastic Syndromes, Hereditary. Identifiers: Orphanet 140162, MedGen C0027672, MeSH D009386, MONDO:0015356.
CDH1-related diffuse gastric and lobular breast cancer syndrome. Also called: CDH1-related diffuse gastric and lobular breast cancer. Identifiers: MedGen CN311521, MONDO:0100488.

Submissions (2):

Clingen Gastric Cancer Variant Curation Expert Panel
Classification: Pathogenic for CDH1-related diffuse gastric and lobular breast cancer syndrome. Last evaluated: 2023-08-04. Review status: reviewed by expert panel. Criteria: ClinGen CDH1 ACMG Specifications V3.1. Collection method: curation. Allele origin: germline. Inheritance: Autosomal dominant inheritance.
Comment: The c.457_460del (p.Lys153Glufs*61) variant is predicted to result in a premature stop codon that leads to nonsense mediate decay (PVS1 and PM5_supporting). The variant is absent in the gnomAD cohort (PM2_supporting). Therefore, this variant meets criteria to be classified as pathogenic based on the ACMG/AMP criteria applied as specified by the CDH1 Variant Curation Expert Panel (CDH1 VCEP specifications version 3.1): PVS1, PM2_supporting, PM5_supporting.

Color Diagnostics, LLC DBA Color Health
Classification: Pathogenic for Hereditary cancer-predisposing syndrome. Last evaluated: 2020-04-17. Review status: criteria provided, single submitter. Criteria: ACMG Guidelines, 2015. Collection method: clinical testing. Allele origin: germline. Not counted in ClinVar's aggregate classification.
Comment: This variant deletes 4 nucleotides in exon 4 of the CDH1 gene, creating a frameshift and premature translation stop signal. This variant is expected to result in an absent or non-functional protein product. To our knowledge, this variant has not been reported in individuals affected with hereditary cancer in the literature. This variant has not been identified in the general population by the Genome Aggregation Database (gnomAD). Loss of CDH1 function is a known mechanism of disease. Based on the available evidence, this variant is classified as Pathogenic.

NM_004360.5(CDH1):c.457_460del (p.Lys153fs)

Gene: CDH1 (cadherin 1; plus strand). Cytogenetic location: 16q22.1.
Variant type: Deletion.
Coding change: c.457_460del on transcript NM_004360.5 (MANE Select); coding-DNA positions 457 to 460, 4 bases deleted (AAGA; older notation c.457_460delAAGA).
Protein change: p.Lys153fs; shifts the reading frame from lysine 153.
Molecular consequence: frameshift variant. On other transcripts: 5 prime UTR variant (2).
Genome position (GRCh38, 1-based): chr16:68,808,493-68,808,496, AAGA deleted. VCF-style (leftmost placement, unchanged base first): chr16-68808492-GAAGA-G. GRCh37 (hg19) VCF-style: chr16-68842395-GAAGA-G.
Other names: c.457_460del, p.Lys153fs (NM_001317184.2); c.-1159_-1156del (NM_001317185.2); c.-1363_-1360del (NM_001317186.2); c.457_460del (NM_004360.4); short protein forms K153fs.
Identifiers: ClinVar variation 491538 (VCV000491538.6), dbSNP rs1555515214, ClinGen allele CA658683946.